The following is an entry in ClinVar:

ClinVar aggregate classification (germline): Pathogenic (1 of 4 stars; one submission).

Conditions:
Autosomal recessive limb-girdle muscular dystrophy type 2L (LGMDR12). Also called: Limb-girdle muscular dystrophy, type 2L; Limb-Girdle Muscular Dystrophy R12 Anoctamin-5-Related (LGMD-R12); MUSCULAR DYSTROPHY, LIMB-GIRDLE, AUTOSOMAL RECESSIVE 12. Identifiers: Orphanet 206549, MedGen C1969785, MONDO:0012652, OMIM 611307.
Gnathodiaphyseal dysplasia (GDD). Also called: OSTEOGENESIS IMPERFECTA WITH UNUSUAL SKELETAL LESIONS; GNATHODIAPHYSEAL SCLEROSIS. Identifiers: Orphanet 53697, MedGen C1833736, MONDO:0008151, OMIM 166260.

Submission:

Labcorp Genetics (formerly Invitae), Labcorp
Classification: Pathogenic for Limb-girdle muscular dystrophy, type 2L; Gnathodiaphyseal dysplasia. Last evaluated: 2019-06-26. Review status: criteria provided, single submitter. Criteria: Invitae Variant Classification Sherloc (09022015). Collection method: clinical testing. Allele origin: germline.
Comment: This variant is a gross deletion of the genomic region encompassing exons 1-6 of the ANO5 gene, which includes the initiator codon. The 5' end of this event is unknown as it extends beyond the assayed region for this gene and therefore may encompass additional genes. The 3' boundary is likely confined to intron 6 of the ANO5 gene. This is expected to result in an absent or disrupted protein product. This variant has not been reported in the literature in individuals with ANO5-related conditions. Loss-of-function variants in ANO5 are known to be pathogenic (PMID: 21186264, 23606453, 25891276). For these reasons, this variant has been classified as Pathogenic.

NC_000011.10:g.(?_22193483)_(22226062_?)del

Gene: ANO5 (anoctamin 5; plus strand). Cytogenetic location: 11p14.3.
Variant type: Deletion.
Identifiers: ClinVar variation 830674 (VCV000830674.1).